The following is an entry in ClinVar:

ClinVar aggregate classification (germline): Uncertain significance. Review status: criteria provided, multiple submitters, no conflicts (2 of 4 stars). 3 submissions from 3 submitters: Uncertain significance (3). Last evaluated 2023-01-24.

Conditions:
Inborn genetic diseases. Identifiers: MedGen C0950123, MeSH D030342.
Peters plus syndrome. Also called: KRAUSE-KIVLIN SYNDROME. Identifiers: Orphanet 709, MedGen C0796012, MONDO:0009856, OMIM 261540.

Allele frequency attached by ClinVar (database versions not stated): gnomAD exomes 0.00013 and 0.00030; TOPMed 0.00015; gnomAD 0.00018.
gnomAD v4.1: 379 of 1,359,576 alleles (0.028%); highest among the groups gnomAD compares: Non-Finnish European, 0.035%; 1 homozygote.

Submissions (3):

Ambry Genetics
Classification: Uncertain significance for Inborn genetic diseases. Last evaluated: 2023-01-24. Review status: criteria provided, single submitter. Criteria: Ambry Variant Classification Scheme 2023. Collection method: clinical testing. Allele origin: germline.

Labcorp Genetics (formerly Invitae), Labcorp
Classification: Uncertain significance for Peters plus syndrome. Last evaluated: 2020-01-27. Review status: criteria provided, single submitter. Criteria: Invitae Variant Classification Sherloc (09022015). Collection method: clinical testing. Allele origin: germline.
Comment: In summary, the available evidence is currently insufficient to determine the role of this variant in disease. Therefore, it has been classified as a Variant of Uncertain Significance. Algorithms developed to predict the effect of missense changes on protein structure and function do not agree on the potential impact of this missense change (SIFT: "Deleterious"; PolyPhen-2: "Benign"; Align-GVGD: "Class C0"). This variant has not been reported in the literature in individuals with B3GLCT-related disease. While this variant is not present in population databases, the frequency information is unreliable, as metrics indicate poor data quality at this position in the ExAC database. This sequence change replaces leucine with proline at codon 19 of the B3GLCT protein (p.Leu19Pro). The leucine residue is moderately conserved and there is a moderate physicochemical difference between leucine and proline.

Illumina Laboratory Services, Illumina
Classification: Uncertain significance for Peters plus syndrome. Last evaluated: 2018-01-12. Review status: criteria provided, single submitter. Criteria: ICSL Variant Classification Criteria 13 December 2019. Collection method: clinical testing. Allele origin: germline.

NM_194318.4(B3GLCT):c.56T>C (p.Leu19Pro)

Genes: B3GLCT (beta 3-glucosyltransferase; plus strand), LOC130009514 (ATAC-STARR-seq lymphoblastoid silent region 5240; plus strand). Cytogenetic location: 13q12.3.
Variant type: single nucleotide variant.
Coding change: c.56T>C on transcript NM_194318.4 (MANE Select); coding-DNA position 56, T replaced by C.
Protein change: p.Leu19Pro; replaces leucine 19 with proline.
Molecular consequence: missense variant.
Genome position (GRCh38, 1-based): chr13:31,200,140, T>C. VCF-style: chr13-31200140-T-C. GRCh37 (hg19) VCF-style: chr13-31774277-T-C.
Other names: short protein forms L19P.
Identifiers: ClinVar variation 574845 (VCV000574845.14), dbSNP rs999173078, ClinGen allele CA247417970.